The following is an entry in ClinVar:

ClinVar aggregate classification (germline): Uncertain significance (1 of 4 stars; one submission).

Conditions:
Familial thoracic aortic aneurysm and aortic dissection (TAAD). Also called: Thoracic aortic aneurysms and dissections. Identifiers: Orphanet 91387, MedGen C4707243, MONDO:0019625.

gnomAD v4.1: 2 of 1,614,212 alleles (0.00012%); highest among the groups gnomAD compares: Non-Finnish European, 0.00017%; no homozygotes.

Submission:

Color Diagnostics, LLC DBA Color Health
Classification: Uncertain significance for Familial thoracic aortic aneurysm and aortic dissection. Last evaluated: 2025-06-23. Review status: criteria provided, single submitter. Criteria: ACMG Guidelines, 2015. Collection method: clinical testing. Allele origin: germline.
Comment: This missense variant replaces glutamic acid with aspartic acid at codon 1521 of the MYH11 protein. Computational prediction suggests that this variant may not impact protein structure and function. To our knowledge, functional studies have not been reported for this variant. This variant has not been reported in individuals affected with MYH11-related disorders in the literature. This variant has not been identified in the general population by the Genome Aggregation Database (gnomAD). The available evidence is insufficient to determine the role of this variant in disease conclusively. Therefore, this variant is classified as a Variant of Uncertain Significance.

NM_002474.3(MYH11):c.4542A>T (p.Glu1514Asp)

Genes: NDE1 (nudE neurodevelopment protein 1; plus strand), MYH11 (myosin heavy chain 11; minus strand). Cytogenetic location: 16p13.11.
Variant type: single nucleotide variant.
Coding change: c.4542A>T on transcript NM_002474.3 (MANE Select); coding-DNA position 4542, A replaced by T.
Protein change: p.Glu1514Asp; replaces glutamic acid 1514 with aspartic acid.
Molecular consequence: missense variant. On other transcripts: intron variant (2).
Genome position (GRCh38, 1-based): chr16:15,721,458, T>A on the plus strand (A>T on the coding strand, the complement: MYH11 is on the minus strand). VCF-style: chr16-15721458-T-A. GRCh37 (hg19) VCF-style: chr16-15815315-T-A.
Other names: c.4542A>T, p.Glu1514Asp (NM_022844.3); c.948-2733T>A (NM_001143979.2, NM_017668.3); c.4563A>T, p.Glu1521Asp (NM_001040113.2, NM_001040114.2); short protein forms E1514D, E1521D.
Identifiers: ClinVar variation 4756948 (VCV004756948.1).